The following is an entry in ClinVar:

NC_000010.10:g.(?_88683123)_(88683476_?)del

Gene: BMPR1A (bone morphogenetic protein receptor type 1A; plus strand). Cytogenetic location: 10q23.2.
Variant type: Deletion.
Identifiers: ClinVar variation 2425070 (VCV002425070.4).

ClinVar aggregate classification (germline): Pathogenic (1 of 4 stars; one submission).

Conditions:
Juvenile polyposis syndrome (JPS). Identifiers: Orphanet 2929, MedGen C0345893, MONDO:0017380, OMIM 174900.

Submission:

Labcorp Genetics (formerly Invitae), Labcorp
Classification: Pathogenic for Juvenile polyposis syndrome. Last evaluated: 2021-09-15. Review status: criteria provided, single submitter. Criteria: Invitae Variant Classification Sherloc (09022015). Collection method: clinical testing. Allele origin: germline.
Comment: This variant is a gross deletion of the genomic region encompassing exon(s) 12-13 of the BMPR1A gene, which includes the termination codon. This deletion extends beyond the assayed region for this gene and therefore may encompass additional genes. While this deletion is not anticipated to lead to nonsense mediated decay, it is expected to alter mRNA translation or result in a truncated protein product. This variant has not been reported in the literature in individuals affected with BMPR1A-related conditions. This variant disrupts a region of the BMPR1A protein in which other variant(s) (p.Arg494*) have been determined to be pathogenic (PMID: 23399955). This suggests that this is a clinically significant region of the protein, and that variants that disrupt it are likely to be disease-causing. For these reasons, this variant has been classified as Pathogenic.

Literature cited by the submitters: PubMed 23399955.